The following is an entry in ClinVar:

ClinVar aggregate classification (germline): Uncertain significance (1 of 4 stars; one submission).

Submission:

Ambry Genetics
Classification: Uncertain significance. Last evaluated: 2023-05-14. Review status: criteria provided, single submitter. Criteria: Ambry Variant Classification Scheme 2023. Collection method: clinical testing. Allele origin: germline.
Comment: The p.Q282R variant (also known as c.845A>G), located in coding exon 9 of the FAM175A gene, results from an A to G substitution at nucleotide position 845. The glutamine at codon 282 is replaced by arginine, an amino acid with highly similar properties. This amino acid position is conserved. In addition, this alteration is predicted to be tolerated by in silico analysis. Since supporting evidence is limited at this time, the clinical significance of this alteration remains unclear.

NM_139076.3(ABRAXAS1):c.845A>G (p.Gln282Arg)

Gene: ABRAXAS1 (abraxas 1, BRCA1 A complex subunit; minus strand). Cytogenetic location: 4q21.23.
Variant type: single nucleotide variant.
Coding change: c.845A>G on transcript NM_139076.3 (MANE Select); coding-DNA position 845, A replaced by G.
Protein change: p.Gln282Arg; replaces glutamine 282 with arginine.
Molecular consequence: missense variant.
Genome position (GRCh38, 1-based): chr4:83,462,854, T>C on the plus strand (A>G on the coding strand, the complement: ABRAXAS1 is on the minus strand). VCF-style: chr4-83462854-T-C. GRCh37 (hg19) VCF-style: chr4-84384007-T-C.
Other names: c.518A>G, p.Gln173Arg (NM_001345962.2); short protein forms Q282R, Q173R.
Identifiers: ClinVar variation 2561764 (VCV002561764.2), dbSNP rs2529419344, ClinGen allele CA357256602.
Genomic context (GRCh38, chr4:83,462,854, plus strand): 5'-TTTAAAGACATAACACATGAATGAAGAAATTCAGAATTTGGAAAAAAGGTCCGTAATGCC[T>C]GACAAAGAAAAATGTTCTCCTGAGGGTCTTTTTGGATGTTCTTCTCTCCTAAACAAAATA-3'
Protein context (NP_620775.2, residues 272-292): KDPQENIFLC[Gln282Arg]ALRTFFPNSE